The following is an entry in ClinVar:

ClinVar aggregate classification (germline): Uncertain significance. Review status: criteria provided, multiple submitters, no conflicts (2 of 4 stars). 3 submissions from 3 submitters: Uncertain significance (3). Last evaluated 2025-10-18.

Conditions:
Inborn genetic diseases. Identifiers: MedGen C0950123, MeSH D030342.
RYR1-related disorder. Also called: RYR1-related condition; RYR1-related disorders. Identifiers: MedGen CN239331.

Allele frequency attached by ClinVar (database versions not stated): gnomAD exomes below 0.00001 and 0.00001; ExAC 0.00001; gnomAD 0.00001.
gnomAD v4.1: 3 of 1,613,864 alleles (0.00019%); highest among the groups gnomAD compares: Non-Finnish European, 0.00025%; no homozygotes.

Submissions (3):

Ambry Genetics
Classification: Uncertain significance for Inborn genetic diseases. Last evaluated: 2025-10-18. Review status: criteria provided, single submitter. Criteria: Ambry Variant Classification Scheme 2023. Collection method: clinical testing. Allele origin: germline.

Labcorp Genetics (formerly Invitae), Labcorp
Classification: Uncertain significance for RYR1-related disorder. Last evaluated: 2025-09-27. Review status: criteria provided, single submitter. Criteria: Invitae Variant Classification Sherloc (09022015). Collection method: clinical testing. Allele origin: germline.
Comment: This sequence change replaces glutamic acid, which is acidic and polar, with lysine, which is basic and polar, at codon 3551 of the RYR1 protein (p.Glu3551Lys). This variant is present in population databases (rs753260772, gnomAD 0.002%). This variant has not been reported in the literature in individuals affected with RYR1-related conditions. ClinVar contains an entry for this variant (Variation ID: 1683787). Invitae Evidence Modeling of protein sequence and biophysical properties (such as structural, functional, and spatial information, amino acid conservation, physicochemical variation, residue mobility, and thermodynamic stability) indicates that this missense variant is not expected to disrupt RYR1 protein function with a negative predictive value of 80%. In summary, the available evidence is currently insufficient to determine the role of this variant in disease. Therefore, it has been classified as a Variant of Uncertain Significance.

GeneDx
Classification: Uncertain significance. Last evaluated: 2021-11-01. Review status: criteria provided, single submitter. Criteria: GeneDx Variant Classification Process June 2021. Collection method: clinical testing. Allele origin: germline. Affected: yes.
Comment: Not observed at significant frequency in large population cohorts (gnomAD); In silico analysis supports that this missense variant has a deleterious effect on protein structure/function; Has not been previously published as pathogenic or benign to our knowledge

NM_000540.3(RYR1):c.10651G>A (p.Glu3551Lys)

Gene: RYR1 (ryanodine receptor 1; plus strand). Cytogenetic location: 19q13.2.
Variant type: single nucleotide variant.
Coding change: c.10651G>A on transcript NM_000540.3 (MANE Select); coding-DNA position 10651, G replaced by A.
Protein change: p.Glu3551Lys; replaces glutamic acid 3551 with lysine.
Molecular consequence: missense variant.
Genome position (GRCh38, 1-based): chr19:38,527,017, G>A. VCF-style: chr19-38527017-G-A. GRCh37 (hg19) VCF-style: chr19-39017657-G-A.
Other names: c.10636G>A, p.Glu3546Lys (NM_001042723.2); short protein forms E3546K, E3551K.
Identifiers: ClinVar variation 1683787 (VCV001683787.7), dbSNP rs753260772, ClinGen allele CA054310.